The following is an entry in ClinVar:

ClinVar aggregate classification (germline): Uncertain significance (1 of 4 stars; one submission).

Conditions:
EAST syndrome (SESAMES). Also called: SEIZURES, SENSORINEURAL DEAFNESS, ATAXIA, IMPAIRED INTELLECTUAL DEVELOPMENT, AND ELECTROLYTE IMBALANCE. Identifiers: Orphanet 199343, MedGen C2748572, MONDO:0013005, OMIM 612780.

Submission:

Labcorp Genetics (formerly Invitae), Labcorp
Classification: Uncertain significance for EAST syndrome. Last evaluated: 2024-09-26. Review status: criteria provided, single submitter. Criteria: Invitae Variant Classification Sherloc (09022015). Collection method: clinical testing. Allele origin: germline.
Comment: This sequence change replaces proline, which is neutral and non-polar, with leucine, which is neutral and non-polar, at codon 101 of the KCNJ10 protein (p.Pro101Leu). This variant is not present in population databases (gnomAD no frequency). This variant has not been reported in the literature in individuals affected with KCNJ10-related conditions. ClinVar contains an entry for this variant (Variation ID: 862459). An algorithm developed to predict the effect of missense changes on protein structure and function (PolyPhen-2) suggests that this variant is likely to be tolerated. In summary, the available evidence is currently insufficient to determine the role of this variant in disease. Therefore, it has been classified as a Variant of Uncertain Significance.

NM_002241.5(KCNJ10):c.302C>T (p.Pro101Leu)

Gene: KCNJ10 (potassium inwardly rectifying channel subfamily J member 10; minus strand). Cytogenetic location: 1q23.2.
Variant type: single nucleotide variant.
Coding change: c.302C>T on transcript NM_002241.5 (MANE Select); coding-DNA position 302, C replaced by T.
Protein change: p.Pro101Leu; replaces proline 101 with leucine.
Molecular consequence: missense variant.
Genome position (GRCh38, 1-based): chr1:160,042,231, G>A on the plus strand (C>T on the coding strand, the complement: KCNJ10 is on the minus strand). VCF-style: chr1-160042231-G-A. GRCh37 (hg19) VCF-style: chr1-160012021-G-A.
Other names: short protein forms P101L.
Identifiers: ClinVar variation 862459 (VCV000862459.9), dbSNP rs1648625636, ClinGen allele CA343228775.